The following is an entry in ClinVar:

ClinVar aggregate classification (germline): Uncertain significance (1 of 4 stars; one submission).

Submission:

Labcorp Genetics (formerly Invitae), Labcorp
Classification: Uncertain significance. Last evaluated: 2024-05-15. Review status: criteria provided, single submitter. Criteria: Invitae Variant Classification Sherloc (09022015). Collection method: clinical testing. Allele origin: germline.
Comment: This sequence change replaces glutamic acid, which is acidic and polar, with glycine, which is neutral and non-polar, at codon 213 of the HUWE1 protein (p.Glu213Gly). This variant is not present in population databases (gnomAD no frequency). This variant has not been reported in the literature in individuals affected with HUWE1-related conditions. ClinVar contains an entry for this variant (Variation ID: 2064986). Advanced modeling of protein sequence and biophysical properties (such as structural, functional, and spatial information, amino acid conservation, physicochemical variation, residue mobility, and thermodynamic stability) has been performed at Invitae for this missense variant, however the output from this modeling did not meet the statistical confidence thresholds required to predict the impact of this variant on HUWE1 protein function. In summary, the available evidence is currently insufficient to determine the role of this variant in disease. Therefore, it has been classified as a Variant of Uncertain Significance.

NM_031407.7(HUWE1):c.638A>G (p.Glu213Gly)

Gene: HUWE1 (HECT, UBA and WWE domain containing E3 ubiquitin protein ligase 1; minus strand). Cytogenetic location: Xp11.22.
Variant type: single nucleotide variant.
Coding change: c.638A>G on transcript NM_031407.7 (MANE Select); coding-DNA position 638, A replaced by G.
Protein change: p.Glu213Gly; replaces glutamic acid 213 with glycine.
Molecular consequence: missense variant.
Genome position (GRCh38, 1-based): chrX:53,632,494, T>C on the plus strand (A>G on the coding strand, the complement: HUWE1 is on the minus strand). VCF-style: chrX-53632494-T-C. GRCh37 (hg19) VCF-style: chrX-53659446-T-C.
Other names: short protein forms E213G.
Identifiers: ClinVar variation 2064986 (VCV002064986.4), dbSNP rs2528214303, ClinGen allele CA413161475.